The following is an entry in ClinVar:

NM_001267550.2(TTN):c.49948+2_49948+10del

Genes: TTN (titin; minus strand), TTN-AS1 (TTN antisense RNA 1; plus strand). Cytogenetic location: 2q31.2.
Variant type: Deletion.
Coding change: c.49948+2_49948+10del on transcript NM_001267550.2 (MANE Select); the canonical splice donor site of the intron after coding-DNA position 49948 through 10 bases into the intron after coding-DNA position 49948, 9 bases deleted (TAAGTCACT; older notation c.49948+2_49948+10delTAAGTCACT).
Molecular consequence: splice donor variant.
Genome position (GRCh38, 1-based): chr2:178,612,763-178,612,771, AGTGACTTA deleted on the plus strand (TAAGTCACT on the coding strand, the reverse complement: TTN is on the minus strand). VCF-style (leftmost placement, unchanged base first): chr2-178612762-GAGTGACTTA-G. GRCh37 (hg19) VCF-style: chr2-179477489-GAGTGACTTA-G.
Other names: c.22753+2_22753+10del (NM_003319.4); c.23329+2_23329+10del (NM_133437.4); c.23128+2_23128+10del (NM_133432.3); c.42244+2_42244+10del (NM_133378.4); c.45025+2_45025+10del (NM_001256850.1); c.22753+2_22753+10delTAAGTCACT (NM_003319.4).
Identifiers: ClinVar variation 943054 (VCV000943054.11), dbSNP rs2056581815, ClinGen allele CA1139657452.

ClinVar aggregate classification (germline): Conflicting classifications of pathogenicity. Review status: criteria provided, conflicting classifications (1 of 4 stars). 2 submissions from 2 submitters: Likely pathogenic (1); Uncertain significance (1). Last evaluated 2026-04-01.

Conditions:
Cardiovascular phenotype. Identifiers: MedGen CN230736.
Dilated cardiomyopathy 1G (CMD1G). Identifiers: Orphanet 154, MedGen C1858763, MONDO:0011400, OMIM 604145.
Autosomal recessive limb-girdle muscular dystrophy type 2J (LGMDR10). Also called: Limb-girdle muscular dystrophy, type 2J; MUSCULAR DYSTROPHY, LIMB-GIRDLE, AUTOSOMAL RECESSIVE 10. Identifiers: Orphanet 140922, MedGen C1837342, MONDO:0012127, OMIM 608807.

Allele frequency attached by ClinVar (database versions not stated): TOPMed below 0.00001.

Submissions (2):

Ambry Genetics
Classification: Uncertain significance for Cardiovascular phenotype. Last evaluated: 2026-04-01. Review status: criteria provided, single submitter. Criteria: Ambry Variant Classification Scheme 2023. Collection method: clinical testing. Allele origin: germline.
Comment: The c.22753+2_22753+10delTAAGTCACT intronic variant results from a deletion of 9 nucleotides between positions c.22753+2 and c.22753+10 and involves the canonical splice donor site after coding exon 92 of the TTN gene. This exon is located in the A-band region of the N2-B isoform of the titin protein and is constitutively expressed in TTN transcripts (percent spliced in or PSI 100%). This variant was reported in individual(s) with features consistent with dilated cardiomyopathy (Ambry internal data). The canonical splice donor site is highly conserved in available vertebrate species. In silico splice site analysis predicts that this alteration will weaken the native splice donor site. This variant disrupts the canonical splice site and is expected to cause aberrant splicing. However, although direct evidence is unavailable, this variant is predicted to result in an in-frame transcript that is not expected to trigger nonsense-mediated mRNA decay. The exact functional effect of the predicted splice impact is unknown. Based on the available evidence, the clinical significance of this variant remains unclear.

Labcorp Genetics (formerly Invitae), Labcorp
Classification: Likely pathogenic for Dilated cardiomyopathy 1G; Autosomal recessive limb-girdle muscular dystrophy type 2J. Last evaluated: 2025-02-04. Review status: criteria provided, single submitter. Criteria: Invitae Variant Classification Sherloc (09022015). Collection method: clinical testing. Allele origin: germline.
Comment: This sequence change affects a splice site in intron 265 of the TTN gene. It is expected to disrupt RNA splicing and likely results in a truncated or disrupted TTN protein. This variant is not present in population databases (gnomAD no frequency). This variant has not been reported in the literature in individuals affected with TTN-related conditions. ClinVar contains an entry for this variant (Variation ID: 943054). Algorithms developed to predict the effect of sequence changes on RNA splicing suggest that this variant may disrupt the consensus splice site. This variant is located in the A band of TTN (PMID: 25589632). Truncating variants in this region are significantly overrepresented in patients affected with dilated cardiomyopathy (PMID: 25589632). Truncating variants in this region have also been reported in individuals affected with autosomal recessive centronuclear myopathy (PMID: 23975875). In summary, the currently available evidence indicates that the variant is pathogenic, but additional data are needed to prove that conclusively. Therefore, this variant has been classified as Likely Pathogenic.

Literature cited by the submitters: PubMed 25589632 (cited by Labcorp Genetics (formerly Invitae), Labcorp); PubMed 23975875 (cited by Labcorp Genetics (formerly Invitae), Labcorp).